The following is an entry in ClinVar:

ClinVar aggregate classification (germline): Uncertain significance (1 of 4 stars; one submission).

Submission:

Labcorp Genetics (formerly Invitae), Labcorp
Classification: Uncertain significance. Last evaluated: 2020-07-01. Review status: criteria provided, single submitter. Criteria: Invitae Variant Classification Sherloc (09022015). Collection method: clinical testing. Allele origin: germline.
Comment: Experimental studies and prediction algorithms are not available or were not evaluated, and the functional significance of this variant is currently unknown. In summary, the available evidence is currently insufficient to determine the role of this variant in disease. Therefore, it has been classified as a Variant of Uncertain Significance. This variant has not been reported in the literature in individuals with CLCC1-related conditions. This variant, c.1063_1083del, results in the deletion of 7 amino acid(s) of the CLCC1 protein (p.Lys355_Arg361del), but otherwise preserves the integrity of the reading frame. This variant is not present in population databases (ExAC no frequency).

NM_001377458.1(CLCC1):c.1063_1083del (p.Lys355_Arg361del)

Gene: CLCC1 (chloride channel CLIC like 1; minus strand). Cytogenetic location: 1p13.3.
Variant type: Deletion.
Coding change: c.1063_1083del on transcript NM_001377458.1 (MANE Select); coding-DNA positions 1063 to 1083, 21 bases deleted (AAATCAGTTCATGTGCTGAGA).
Protein change: p.Lys355_Arg361del.
Molecular consequence: inframe deletion. On other transcripts: non-coding transcript variant (1).
Genome position (GRCh38, 1-based): chr1:108,937,377-108,937,397, TCTCAGCACATGAACTGATTT deleted on the plus strand (AAATCAGTTCATGTGCTGAGA on the coding strand, the reverse complement: CLCC1 is on the minus strand); deleting any 21 consecutive bases within chr1:108,937,377-108,937,399 gives the same sequence; the c. name uses the placement nearest the transcript's 3' end. VCF-style (leftmost placement, unchanged base first): chr1-108937376-GTCTCAGCACATGAACTGATTT-G. GRCh37 (hg19) VCF-style: chr1-109479998-GTCTCAGCACATGAACTGATTT-G.
Other names: c.1063_1083del, p.Lys355_Arg361del (NM_001048210.3, NM_001377459.1, NM_001377460.1 and 8 more transcripts); c.700_720del, p.Lys234_Arg240del (NM_001278202.2); c.508_528del, p.Lys170_Arg176del (NM_001278203.1); c.961_981del, p.Lys321_Arg327del (NM_001377469.1); c.772_792del, p.Lys258_Arg264del (NM_001377470.1); c.913_933del, p.Lys305_Arg311del (NM_015127.5).
Identifiers: ClinVar variation 1046076 (VCV001046076.8), dbSNP rs1653174355, ClinGen allele CA1187894543.